The following is an entry in ClinVar:

ClinVar aggregate classification (germline): Likely benign. Review status: criteria provided, multiple submitters, no conflicts (2 of 4 stars). 6 submissions from 6 submitters: Likely benign (5). 1 of the submissions does not count toward it. Last evaluated 2023-10-15.

Conditions:
Cardiomyopathy (CMYO). Also called: Cardiomyopathies. Identifiers: Orphanet 167848, MedGen C0878544, MONDO:0004994, HP:0001638. Inheritance: Various modes of inheritance.
Arrhythmogenic cardiomyopathy with wooly hair and keratoderma. Also called: Carvajal syndrome; PALMOPLANTAR KERATODERMA WITH LEFT VENTRICULAR CARDIOMYOPATHY AND WOOLLY HAIR; Dilated cardiomyopathy with woolly hair and keratoderma; Arrhythmogenic cardiomyopathy with woolly hair and keratoderma. Identifiers: Orphanet 65282, MedGen C1854063, MONDO:0011581, OMIM 605676.
Arrhythmogenic right ventricular dysplasia 8 (ARVD8). Also called: Arrhythmogenic Right Ventricular Dysplasia/Cardiomyopathy 8; ARRHYTHMOGENIC RIGHT VENTRICULAR DYSPLASIA, FAMILIAL, 8; ARRHYTHMOGENIC RIGHT VENTRICULAR CARDIOMYOPATHY 8. Identifiers: MedGen C1843896, MONDO:0011831, OMIM 607450.
DSP-related disorder. Also called: DSP-related condition; DSP-related disorders.
Cardiovascular phenotype. Identifiers: MedGen CN230736.

Allele frequency attached by ClinVar (database versions not stated): gnomAD below 0.00001 and 0.00001; TOPMed below 0.00001; ExAC 0.00002; gnomAD exomes 0.00002.
gnomAD v4.1: 18 of 1,614,174 alleles (0.0011%); highest among the groups gnomAD compares: South Asian, 0.014%; 1 homozygote.

Submissions (6):

Labcorp Genetics (formerly Invitae), Labcorp
Classification: Likely benign for Arrhythmogenic cardiomyopathy with wooly hair and keratoderma; Arrhythmogenic right ventricular dysplasia 8. Last evaluated: 2023-10-15. Review status: criteria provided, single submitter. Criteria: Invitae Variant Classification Sherloc (09022015). Collection method: clinical testing. Allele origin: germline.

Women's Health and Genetics/Laboratory Corporation of America, LabCorp
Classification: Likely benign. Last evaluated: 2023-04-10. Review status: criteria provided, single submitter. Criteria: LabCorp Variant Classification Summary - May 2015. Collection method: clinical testing. Allele origin: germline.

Ambry Genetics
Classification: Likely benign for Cardiovascular phenotype. Last evaluated: 2021-11-19. Review status: criteria provided, single submitter. Criteria: Ambry Variant Classification Scheme 2023. Collection method: clinical testing. Allele origin: germline.

Blueprint Genetics
Classification: Likely benign. Last evaluated: 2021-09-02. Review status: criteria provided, single submitter. Criteria: ACMG Guidelines, 2015. Collection method: clinical testing. Allele origin: germline.

Color Diagnostics, LLC DBA Color Health
Classification: Likely benign for Cardiomyopathy. Last evaluated: 2019-12-03. Review status: criteria provided, single submitter. Criteria: ACMG Guidelines, 2015. Collection method: clinical testing. Allele origin: germline.

PreventionGenetics, part of Exact Sciences
Classification: Likely benign for DSP-related condition. Last evaluated: 2024-09-01. Review status: no assertion criteria provided. Collection method: clinical testing. Allele origin: germline. Not counted in ClinVar's aggregate classification.
Comment: This variant is classified as likely benign based on ACMG/AMP sequence variant interpretation guidelines (Richards et al. 2015 PMID: 25741868, with internal and published modifications).

NM_004415.4(DSP):c.7893C>T (p.Ile2631=)

Gene: DSP (desmoplakin; plus strand). Cytogenetic location: 6p24.3.
Variant type: single nucleotide variant.
Coding change: c.7893C>T on transcript NM_004415.4 (MANE Select); coding-DNA position 7893, C replaced by T.
Protein change: p.Ile2631=; no amino-acid change (isoleucine 2631 retained).
Molecular consequence: synonymous variant.
Genome position (GRCh38, 1-based): chr6:7,585,155, C>T. VCF-style: chr6-7585155-C-T. GRCh37 (hg19) VCF-style: chr6-7585388-C-T.
Other names: c.6096C>T, p.Ile2032= (NM_001008844.3); c.6564C>T, p.Ile2188= (NM_001319034.2); c.7893C>T (NM_004415.3).
Identifiers: ClinVar variation 926001 (VCV000926001.15), dbSNP rs778552693, ClinGen allele CA051080.